The following is an entry in ClinVar:

ClinVar aggregate classification (germline): Uncertain significance (1 of 4 stars; one submission).

Submission:

Ambry Genetics
Classification: Uncertain significance. Last evaluated: 2023-03-23. Review status: criteria provided, single submitter. Criteria: Ambry Variant Classification Scheme 2023. Collection method: clinical testing. Allele origin: germline.
Comment: The p.C842Y variant (also known as c.2525G>A), located in coding exon 13 of the NPAT gene, results from a G to A substitution at nucleotide position 2525. The cysteine at codon 842 is replaced by tyrosine, an amino acid with highly dissimilar properties. This amino acid position is conserved. In addition, this alteration is predicted to be tolerated by in silico analysis. Since supporting evidence is limited at this time, the clinical significance of this alteration remains unclear.

NM_002519.3(NPAT):c.2525G>A (p.Cys842Tyr)

Gene: NPAT (nuclear protein, coactivator of histone transcription; minus strand). Cytogenetic location: 11q22.3.
Variant type: single nucleotide variant.
Coding change: c.2525G>A on transcript NM_002519.3 (MANE Select); coding-DNA position 2525, G replaced by A.
Protein change: p.Cys842Tyr; replaces cysteine 842 with tyrosine.
Molecular consequence: missense variant.
Genome position (GRCh38, 1-based): chr11:108,172,459, C>T on the plus strand (G>A on the coding strand, the complement: NPAT is on the minus strand). VCF-style: chr11-108172459-C-T. GRCh37 (hg19) VCF-style: chr11-108043186-C-T.
Other names: c.2525G>A, p.Cys842Tyr (NM_001321307.1); short protein forms C842Y.
Identifiers: ClinVar variation 2567957 (VCV002567957.2), dbSNP rs2496716895, ClinGen allele CA382512796.